The following is an entry in ClinVar:

NM_000426.4(LAMA2):c.5236G>A (p.Ala1746Thr)

Gene: LAMA2 (laminin subunit alpha 2; plus strand). Cytogenetic location: 6q22.33.
Variant type: single nucleotide variant.
Coding change: c.5236G>A on transcript NM_000426.4 (MANE Select); coding-DNA position 5236, G replaced by A.
Protein change: p.Ala1746Thr; replaces alanine 1746 with threonine.
Molecular consequence: missense variant.
Genome position (GRCh38, 1-based): chr6:129,393,046, G>A. VCF-style: chr6-129393046-G-A. GRCh37 (hg19) VCF-style: chr6-129714191-G-A.
Other names: c.5236G>A, p.Ala1746Thr (NM_001079823.2); short protein forms A1746T.
Identifiers: ClinVar variation 1524457 (VCV001524457.3), dbSNP rs1213705895, ClinGen allele CA365614556.

ClinVar aggregate classification (germline): Uncertain significance (1 of 4 stars; one submission).

Conditions:
LAMA2-related muscular dystrophy (LAMA2-RD). Also called: Laminin alpha 2-related dystrophy. Identifiers: MedGen C5679788, MONDO:0100228.

Allele frequency attached by ClinVar (database versions not stated): gnomAD exomes 0.00001.
gnomAD v4.1: 4 of 1,612,698 alleles (0.00025%); highest among the groups gnomAD compares: Non-Finnish European, 0.00025%; no homozygotes.

Submission:

Labcorp Genetics (formerly Invitae), Labcorp
Classification: Uncertain significance for LAMA2-related muscular dystrophy. Last evaluated: 2022-11-01. Review status: criteria provided, single submitter. Criteria: Invitae Variant Classification Sherloc (09022015). Collection method: clinical testing. Allele origin: germline.
Comment: This sequence change replaces alanine, which is neutral and non-polar, with threonine, which is neutral and polar, at codon 1746 of the LAMA2 protein (p.Ala1746Thr). This variant is present in population databases (no rsID available, gnomAD 0.003%). This variant has not been reported in the literature in individuals affected with LAMA2-related conditions. ClinVar contains an entry for this variant (Variation ID: 1524457). Algorithms developed to predict the effect of missense changes on protein structure and function are either unavailable or do not agree on the potential impact of this missense change (SIFT: "Tolerated"; PolyPhen-2: "Possibly Damaging"; Align-GVGD: "Class C0"). In summary, the available evidence is currently insufficient to determine the role of this variant in disease. Therefore, it has been classified as a Variant of Uncertain Significance.